The following is an entry in ClinVar:

ClinVar aggregate classification (germline): Likely benign (0 of 4 stars; one submission).

Conditions:
GFI1B-related disorder. Also called: GFI1B-related condition.

gnomAD v4.1: 35 of 1,614,052 alleles (0.0022%); highest among the groups gnomAD compares: Non-Finnish European, 0.0026%; no homozygotes.

Submission:

PreventionGenetics, part of Exact Sciences
Classification: Likely benign for GFI1B-related condition. Last evaluated: 2019-06-18. Review status: no assertion criteria provided. Collection method: clinical testing. Allele origin: germline.
Comment: This variant is classified as likely benign based on ACMG/AMP sequence variant interpretation guidelines (Richards et al. 2015 PMID: 25741868, with internal and published modifications).

NM_001377304.1(GFI1B):c.735G>A (p.Thr245=)

Gene: GFI1B (growth factor independent 1B transcriptional repressor; plus strand). Cytogenetic location: 9q34.13.
Variant type: single nucleotide variant.
Coding change: c.735G>A on transcript NM_001377304.1 (MANE Select); coding-DNA position 735, G replaced by A.
Protein change: p.Thr245=; no amino-acid change (threonine 245 retained).
Molecular consequence: synonymous variant.
Genome position (GRCh38, 1-based): chr9:132,989,828, G>A. VCF-style: chr9-132989828-G-A. GRCh37 (hg19) VCF-style: chr9-135865215-G-A.
Other names: c.597G>A, p.Thr199= (NM_001135031.2, NM_001377305.1); c.801G>A, p.Thr267= (NM_001371908.1); c.735G>A, p.Thr245= (NM_004188.8).
Identifiers: ClinVar variation 3034004 (VCV003034004.2), dbSNP rs368151614, ClinGen allele CA200899599.